The following is an entry in ClinVar:

ClinVar aggregate classification (germline): Uncertain significance (1 of 4 stars; one submission).

Submission:

GeneDx
Classification: Uncertain significance. Last evaluated: 2026-02-06. Review status: criteria provided, single submitter. Criteria: GeneDx Variant Classification Process June 2021. Collection method: clinical testing. Allele origin: germline.
Comment: Frameshift variant predicted to result in protein truncation or nonsense mediated decay in a gene or region of a gene for which loss of function is not a well-established mechanism of disease; Has not been previously published as pathogenic or benign to our knowledge

NM_013291.3(CPSF1):c.3949dup (p.Arg1317fs)

Gene: CPSF1 (cleavage and polyadenylation specific factor 1; minus strand). Cytogenetic location: 8q24.3.
Variant type: Duplication.
Coding change: c.3949dup on transcript NM_013291.3 (MANE Select); coding-DNA position 3949, one base duplicated (C; older notation c.3949dupC).
Protein change: p.Arg1317fs; shifts the reading frame from arginine 1317.
Molecular consequence: frameshift variant.
Genome position (GRCh38, 1-based): chr8:144,393,949, G duplicated on the plus strand (C on the coding strand, the reverse complement: CPSF1 is on the minus strand); the first of 2 consecutive G bases (chr8:144,393,949-144,393,950); duplicating either gives the same sequence. VCF-style (leftmost placement, unchanged base first): chr8-144393948-C-CG. GRCh37 (hg19) VCF-style: chr8-145619163-C-CG.
Other names: short protein forms R1317fs.
Identifiers: ClinVar variation 4976371 (VCV004976371.1).